The following is an entry in ClinVar:

NM_152383.5(DIS3L2):c.2078T>C (p.Val693Ala)

Gene: DIS3L2 (DIS3 like 3'-5' exoribonuclease 2; plus strand). Cytogenetic location: 2q37.1.
Variant type: single nucleotide variant.
Coding change: c.2078T>C on transcript NM_152383.5 (MANE Select); coding-DNA position 2078, T replaced by C.
Protein change: p.Val693Ala; replaces valine 693 with alanine.
Molecular consequence: missense variant. On other transcripts: non-coding transcript variant (2), intron variant (1).
Genome position (GRCh38, 1-based): chr2:232,333,907, T>C. VCF-style: chr2-232333907-T-C. GRCh37 (hg19) VCF-style: chr2-233198617-T-C.
Other names: c.1582-9438T>C (NM_001257281.2); short protein forms V693A.
Identifiers: ClinVar variation 569220 (VCV000569220.8), dbSNP rs1559219168, ClinGen allele CA350977432.
Genomic context (GRCh38, chr2:232,333,907, plus strand): 5'-TGTACTTCTGCTCGGGGCTGCTGCAGGACCCAGCGCAGTTCCGGCACTACGCGCTCAATG[T>C]GCCCCTGTACACACACTTCACCTCGCCCATCCGCCGCTTTGCCGACGTCCTGGTGCACCG-3'
Protein context (NP_689596.4, residues 683-703): PAQFRHYALN[Val693Ala]PLYTHFTSPI

ClinVar aggregate classification (germline): Uncertain significance (1 of 4 stars; one submission).

Conditions:
Perlman syndrome (PRLMNS). Identifiers: Orphanet 2849, MedGen C0796113, MONDO:0009965, OMIM 267000.

Submission:

Labcorp Genetics (formerly Invitae), Labcorp
Classification: Uncertain significance for Perlman syndrome. Last evaluated: 2022-02-25. Review status: criteria provided, single submitter. Criteria: Invitae Variant Classification Sherloc (09022015). Collection method: clinical testing. Allele origin: germline.
Comment: This sequence change replaces valine, which is neutral and non-polar, with alanine, which is neutral and non-polar, at codon 693 of the DIS3L2 protein (p.Val693Ala). This variant is not present in population databases (gnomAD no frequency). This variant has not been reported in the literature in individuals affected with DIS3L2-related conditions. ClinVar contains an entry for this variant (Variation ID: 569220). Algorithms developed to predict the effect of missense changes on protein structure and function (SIFT, PolyPhen-2, Align-GVGD) all suggest that this variant is likely to be disruptive. In summary, the available evidence is currently insufficient to determine the role of this variant in disease. Therefore, it has been classified as a Variant of Uncertain Significance.